The following is an entry in ClinVar:

NM_001127222.2(CACNA1A):c.539+20C>T

Gene: CACNA1A (calcium voltage-gated channel subunit alpha1 A; minus strand). Cytogenetic location: 19p13.13.
Variant type: single nucleotide variant.
Coding change: c.539+20C>T on transcript NM_001127222.2 (MANE Select); 20 bases into the intron after coding-DNA position 539, C replaced by T.
Molecular consequence: intron variant.
Genome position (GRCh38, 1-based): chr19:13,452,856, G>A on the plus strand (C>T on the coding strand, the complement: CACNA1A is on the minus strand). VCF-style: chr19-13452856-G-A. GRCh37 (hg19) VCF-style: chr19-13563670-G-A.
Other names: c.539+20C>T (NM_001127221.2, NM_001174080.2, NM_000068.4 and 1 more transcripts).
Identifiers: ClinVar variation 383464 (VCV000383464.10), dbSNP rs369959565, ClinGen allele CA9241015.

ClinVar aggregate classification (germline): Likely benign. Review status: criteria provided, multiple submitters, no conflicts (2 of 4 stars). 3 submissions from 3 submitters: Likely benign (3). Last evaluated 2025-12-01.

Conditions:
Developmental and epileptic encephalopathy, 42 (DEE42A). Also called: Epileptic encephalopathy, early infantile, 42; DEVELOPMENTAL AND EPILEPTIC ENCEPHALOPATHY 42A; EPILEPTIC ENCEPHALOPATHY, EARLY INFANTILE, 42A. Identifiers: MedGen C4310716, MONDO:0014917, OMIM 617106.
Episodic ataxia type 2 (EA2). Also called: CEREBELLAR ATAXIA, PAROXYSMAL, ACETAZOLAMIDE-RESPONSIVE; CEREBELLOPATHY, HEREDITARY PAROXYSMAL; EPISODIC ATAXIA, NYSTAGMUS-ASSOCIATED; ATAXIA, EPISODIC, WITH NYSTAGMUS; ATAXIA, FAMILIAL PAROXYSMAL; ACETAZOLAMIDE-RESPONSIVE HEREDITARY PAROXYSMAL CEREBELLAR ATAXIA. Identifiers: Orphanet 97, MedGen C1720416, MONDO:0007163, OMIM 108500.

Allele frequency attached by ClinVar (database versions not stated): gnomAD exomes 0.00003 and 0.00005; ExAC 0.00006; ESP Exome Variant Server 0.00008; gnomAD 0.00011 and 0.00013; TOPMed 0.00011.
gnomAD v4.1: 66 of 1,610,462 alleles (0.0041%); highest among the groups gnomAD compares: African/African-American, 0.037%; no homozygotes.

Submissions (3):

Labcorp Genetics (formerly Invitae), Labcorp
Classification: Likely benign for Developmental and epileptic encephalopathy, 42; Episodic ataxia type 2. Last evaluated: 2025-12-01. Review status: criteria provided, single submitter. Criteria: Invitae Variant Classification Sherloc (09022015). Collection method: clinical testing. Allele origin: germline.

Blueprint Genetics
Classification: Likely benign. Last evaluated: 2023-11-14. Review status: criteria provided, single submitter. Criteria: ACMG Guidelines, 2015. Collection method: clinical testing. Allele origin: germline.

GeneDx
Classification: Likely benign. Last evaluated: 2017-09-08. Review status: criteria provided, single submitter. Criteria: GeneDx Variant Classification (06012015). Collection method: clinical testing. Allele origin: germline. Affected: yes.
Comment: This variant is considered likely benign or benign based on one or more of the following criteria: it is a conservative change, it occurs at a poorly conserved position in the protein, it is predicted to be benign by multiple in silico algorithms, and/or has population frequency not consistent with disease.